The following is an entry in ClinVar:

NM_007294.4(BRCA1):c.3548_3549delinsGG (p.Lys1183Arg)

Genes: BRCA1 (BRCA1 DNA repair associated; minus strand), LOC126862571 (BRD4-independent group 4 enhancer GRCh37_chr17:41243136-41244335; plus strand). Cytogenetic location: 17q21.31.
Variant type: Indel.
Coding change: c.3548_3549delinsGG on transcript NM_007294.4 (MANE Select); coding-DNA positions 3548 to 3549, AA replaced by GG.
Protein change: p.Lys1183Arg; replaces lysine 1183 with arginine.
Molecular consequence: missense variant. On other transcripts: intron variant (135).
Genome position (GRCh38, 1-based): chr17:43,091,982-43,091,983, TT replaced by CC on the plus strand (AA replaced by GG on the coding strand, the reverse complement: BRCA1 is on the minus strand). VCF-style: chr17-43091982-TT-CC. GRCh37 (hg19) VCF-style: chr17-41243999-TT-CC.
Other names: c.3425_3426delinsGG, p.Lys1142Arg (NM_001407919.1, NM_001407863.1, NM_001407937.1 and 19 more transcripts); c.3548_3549delinsGG, p.Lys1183Arg (NM_001407594.1, NM_001407596.1, NM_001407602.1 and 30 more transcripts); c.3284_3285delinsGG, p.Lys1095Arg (NM_001407922.1, NM_001407923.1, NM_001407921.1 and 9 more transcripts); c.3404_3405delinsGG, p.Lys1135Arg (NM_001407842.1, NM_001407843.1, NM_001407844.1 and 20 more transcripts); c.3407_3408delinsGG, p.Lys1136Arg (NM_001407850.1, NM_001407851.1, NM_001407852.1 and 29 more transcripts); c.3335_3336delinsGG, p.Lys1112Arg (NM_001407853.1, NM_001407894.1, NM_001407895.1 and 9 more transcripts); c.3545_3546delinsGG, p.Lys1182Arg (NM_001407860.1, NM_001407861.1, NM_001407587.1 and 22 more transcripts); c.3347_3348delinsGG, p.Lys1116Arg (NM_001407862.1); and 42 more; short protein forms K1136R, K1183R, K1071R, K1094R, K1095R, K1116R, K1141R, K1142R.
Identifiers: ClinVar variation 920987 (VCV000920987.14), dbSNP rs2053567538, ClinGen allele CA1139665615.

ClinVar aggregate classification (germline): Conflicting classifications of pathogenicity. Review status: criteria provided, conflicting classifications (1 of 4 stars). 3 submissions from 3 submitters: Uncertain significance (1); Likely benign (2). Last evaluated 2023-03-23.

Conditions:
Hereditary cancer-predisposing syndrome. Also called: Neoplastic Syndromes, Hereditary; Tumor predisposition; Hereditary Cancer Syndrome; Hereditary neoplastic syndrome. Identifiers: Orphanet 140162, MedGen C0027672, MeSH D009386, MONDO:0015356.
Hereditary breast ovarian cancer syndrome. Also called: BRCA1- and BRCA2-Associated Hereditary Breast and Ovarian Cancer; Hereditary breast and ovarian cancer syndrome; Hereditary breast and ovarian cancer; Hereditary breast and ovarian cancer syndrome (HBOC); Breast and ovarian cancer; Hereditary breast and/or ovarian cancer syndrome. Identifiers: Orphanet 145, MedGen C0677776, MeSH D061325, MONDO:0003582. Disease mechanism: loss of function.

Submissions (3):

University of Washington Department of Laboratory Medicine, University of Washington
Classification: Likely benign for Hereditary cancer-predisposing syndrome. Last evaluated: 2023-03-23. Review status: criteria provided, single submitter. Criteria: Dines et al. (Genet Med. 2020). Collection method: curation. Allele origin: germline.
Comment: Missense variant in a coldspot region where missense variants are very unlikely to be pathogenic (PMID:31911673).

BRCA1 coldspot (exon 11 using historical exon numbering). Reclassification based on statistical prior probability

Labcorp Genetics (formerly Invitae), Labcorp
Classification: Likely benign for Hereditary breast ovarian cancer syndrome. Last evaluated: 2020-12-31. Review status: criteria provided, single submitter. Criteria: Invitae Variant Classification Sherloc (09022015). Collection method: clinical testing. Allele origin: germline.

Color Diagnostics, LLC DBA Color Health
Classification: Uncertain significance for Hereditary cancer-predisposing syndrome. Last evaluated: 2019-12-09. Review status: criteria provided, single submitter. Criteria: ACMG Guidelines, 2015. Collection method: clinical testing. Allele origin: germline.
Comment: This variant replaces lysine with arginine at codon 1183 of the BRCA1 protein. Splice site prediction tools suggest that this variant may not impact RNA splicing. This variant has not been identified in the general population by the Genome Aggregation Database (gnomAD). A different nucleotide change (c.3548A>G) resulting in the same protein effect is common in the population and is considered to be non-disease causing (ClinVar variation ID: 41818), suggesting that this amino acid change is tolerated for protein structure and function. However, this variant is very rare in the population and its potential impact on gene function (e.g., RNA splicing) remains unknown. The available evidence is insufficient to determine the role of this variant in disease conclusively. Therefore, this variant is classified as a Variant of Uncertain Significance.